The following is an entry in ClinVar:

NM_001010898.4(SLC6A17):c.2175G>A (p.Ser725=)

Gene: SLC6A17 (solute carrier family 6 member 17; plus strand). Cytogenetic location: 1p13.3.
Variant type: single nucleotide variant.
Coding change: c.2175G>A on transcript NM_001010898.4 (MANE Select); coding-DNA position 2175, G replaced by A.
Protein change: p.Ser725=; no amino-acid change (serine 725 retained).
Molecular consequence: synonymous variant.
Genome position (GRCh38, 1-based): chr1:110,198,435, G>A. VCF-style: chr1-110198435-G-A. GRCh37 (hg19) VCF-style: chr1-110741057-G-A.
Identifiers: ClinVar variation 1879090 (VCV001879090.29), dbSNP rs201989744, ClinGen allele CA998368.

ClinVar aggregate classification (germline): Likely benign (1 of 4 stars; one submission).

Allele frequency attached by ClinVar (database versions not stated): gnomAD 0.00003; gnomAD exomes 0.00005; TOPMed 0.00007; ExAC 0.00008.
gnomAD v4.1: 81 of 1,606,890 alleles (0.005%); highest among the groups gnomAD compares: Middle Eastern, 0.017%; no homozygotes.

Submission:

CeGaT Center for Human Genetics Tuebingen
Classification: Likely benign. Last evaluated: 2026-06-01. Review status: criteria provided, single submitter. Criteria: CeGaT Center For Human Genetics Tuebingen Variant Classification Criteria Version 2. Collection method: clinical testing. Allele origin: germline. Affected: yes. Observed: 2 variant alleles.
Comment: SLC6A17: BP4, BP7